The following is an entry in ClinVar:

NM_000231.3(SGCG):c.158T>C (p.Leu53Pro)

Gene: SGCG (sarcoglycan gamma; plus strand). Cytogenetic location: 13q12.12.
Variant type: single nucleotide variant.
Coding change: c.158T>C on transcript NM_000231.3 (MANE Select); coding-DNA position 158, T replaced by C.
Protein change: p.Leu53Pro; replaces leucine 53 with proline.
Molecular consequence: missense variant.
Genome position (GRCh38, 1-based): chr13:23,203,852, T>C. VCF-style: chr13-23203852-T-C. GRCh37 (hg19) VCF-style: chr13-23777991-T-C.
Other names: NM_000231.3(SGCG):c.158T>C; p.Leu53Pro; c.212T>C, p.Leu71Pro (NM_001378244.1); c.158T>C, p.Leu53Pro (NM_001378245.1, NM_001378246.1); c.158T>C (NM_000231.2); short protein forms L53P, L71P.
Identifiers: ClinVar variation 289650 (VCV000289650.19), dbSNP rs781760379, ClinGen allele CA10606508.

ClinVar aggregate classification (germline): Likely pathogenic. Review status: reviewed by expert panel (3 of 4 stars). 7 submissions from 7 submitters: Likely pathogenic (1). 6 of the submissions do not count toward it. Last evaluated 2025-01-08.

Conditions:
Autosomal recessive limb-girdle muscular dystrophy. Identifiers: Orphanet 102015, MedGen C2931907, MONDO:0015152.
Autosomal recessive limb-girdle muscular dystrophy type 2C (LGMDR5). Also called: MUSCULAR DYSTROPHY, DUCHENNE-LIKE; MUSCULAR DYSTROPHY, LIMB-GIRDLE, AUTOSOMAL RECESSIVE 5. Identifiers: Orphanet 353, MedGen C0410173, MONDO:0009677, OMIM 253700. Disease mechanism: Affects gamma-sarcoglycan and also disrupts the integrity of the entire sarcoglycan complex..

Allele frequency attached by ClinVar (database versions not stated): gnomAD exomes below 0.00001 and 0.00001; TOPMed below 0.00001.
gnomAD v4.1: 16 of 1,613,860 alleles (0.00099%); highest among the groups gnomAD compares: Non-Finnish European, 0.0014%; no homozygotes.

Submissions (7):

ClinGen Limb Girdle Muscular Dystrophy Variant Curation Expert Panel, ClinGen
Classification: Likely pathogenic for Autosomal recessive limb-girdle muscular dystrophy. Last evaluated: 2025-01-08. Review status: reviewed by expert panel. Criteria: ClinGen LGMD VCEP ACMG Specifications SGCG V1.0.0. Collection method: curation. Allele origin: germline. Inheritance: Autosomal recessive inheritance.
Comment: The NM_000231.3: c.158T>C variant in SGCG is a missense variant predicted to cause substitution of leucine by proline at amino acid 53 (p.Leu53Pro). This variant has been detected in at least three individuals with autosomal recessive limb girdle muscular dystrophy (PMID: 30564623, 18996010), including in a homozygous state in two patients (1.0 pt, PMID: 18996010) (PM3). At least one patient with this variant displayed progressive limb girdle muscle weakness and reduced expression of gamma sarcoglycan protein in skeletal muscle, which is highly specific for SGCG-related LGMD (PP4_Strong; PMID: 18996010). The highest population minor allele frequency in gnomAD v2.1.1 is 0.000008 (1/113696 alleles) in the European (non-Finnish) population, which is lower than the ClinGen LGMD VCEP threshold (≤0.00009) for PM2_Supporting, meeting this criterion (PM2_Supporting). The computational predictor REVEL gives a score of 0.98, which exceeds the threshold of ≥0.70, evidence that correlates with impact to SGCG function (PP3). In summary, this variant meets the criteria to be classified as Likely Pathogenic for autosomal recessive limb girdle muscular dystrophy based on the ACMG/AMP criteria applied, as specified by the ClinGen LGMD VCEP (LGMD VCEP specifications version 1.0.0; 01/08/2025): PP4_Strong, PM3, PM2_supporting, PP3.

Natera, Inc.
Classification: Likely pathogenic for Limb-girdle muscular dystrophy type 2C. Last evaluated: 2025-11-26. Review status: criteria provided, single submitter. Criteria: Natera Variant Classification Schema (03/2026). Collection method: clinical testing. Allele origin: germline. Not counted in ClinVar's aggregate classification.
Comment: The c.158T>C variant in SGCG is a missense variant predicted to cause substitution of leucine to proline at amino acid 53. This variant is rare in the general population with a frequency below the threshold expected for the associated phenotype(s). This variant has been observed in one or more individuals affected with the associated recessive disease, as either homozygous or compound heterozygous with a second variant (PMID: 18996010, 39472908). Functional studies show that this variant may disrupt protein function (PMID: 18996010). Computational prediction algorithms indicate this variant is likely to affect gene or protein function. Given the available evidence, this variant is classified as Likely Pathogenic.

Labcorp Genetics (formerly Invitae), Labcorp
Classification: Pathogenic for Autosomal recessive limb-girdle muscular dystrophy type 2C. Last evaluated: 2025-10-13. Review status: criteria provided, single submitter. Criteria: Invitae Variant Classification Sherloc (09022015). Collection method: clinical testing. Allele origin: germline. Not counted in ClinVar's aggregate classification.
Comment: This sequence change replaces leucine, which is neutral and non-polar, with proline, which is neutral and non-polar, at codon 53 of the SGCG protein (p.Leu53Pro). This variant is present in population databases (rs781760379, gnomAD 0.0009%). This missense change has been observed in individual(s) with dilated cardiomyopathy and/or limb-girdle muscular dystrophy (PMID: 18996010, 39472908; internal data). In at least one individual the data is consistent with being in trans (on the opposite chromosome) from a pathogenic variant. ClinVar contains an entry for this variant (Variation ID: 289650). Invitae Evidence Modeling of protein sequence and biophysical properties (such as structural, functional, and spatial information, amino acid conservation, physicochemical variation, residue mobility, and thermodynamic stability) indicates that this missense variant is expected to disrupt SGCG protein function with a positive predictive value of 80%. For these reasons, this variant has been classified as Pathogenic.

Women's Health and Genetics/Laboratory Corporation of America, LabCorp
Classification: Likely pathogenic for Autosomal recessive limb-girdle muscular dystrophy. Last evaluated: 2025-05-13. Review status: criteria provided, single submitter. Criteria: LabCorp Variant Classification Summary - May 2015. Collection method: clinical testing. Allele origin: germline. Not counted in ClinVar's aggregate classification.
Comment: Variant summary: SGCG c.158T>C (p.Leu53Pro) results in a non-conservative amino acid change in the encoded protein sequence. Algorithms developed to predict the effect of missense changes on protein structure and function all suggest that this variant is likely to be disruptive. The variant allele was found at a frequency of 4e-06 in 251386 control chromosomes. c.158T>C has been observed in at least two homozygous individuals affected with Limb-Girdle Muscular Dystrophy, Autosomal Recessive (Klinge_2018). These data indicate that the variant is likely to be associated with disease. To our knowledge, no experimental evidence demonstrating an impact on protein function has been reported. The following publications have been ascertained in the context of this evaluation (PMID: 18996010, 19781108). ClinVar contains an entry for this variant (Variation ID: 289650). Based on the evidence outlined above, the variant was classified as likely pathogenic.

Baylor Genetics
Classification: Pathogenic for Autosomal recessive limb-girdle muscular dystrophy type 2C. Last evaluated: 2023-06-12. Review status: criteria provided, single submitter. Criteria: ACMG Guidelines, 2015. Collection method: clinical testing. Allele origin: unknown. Not counted in ClinVar's aggregate classification.

Revvity Omics, Revvity
Classification: Uncertain significance for Autosomal recessive limb-girdle muscular dystrophy type 2C. Last evaluated: 2022-11-23. Review status: criteria provided, single submitter. Criteria: ACMG Guidelines, 2015. Collection method: clinical testing. Allele origin: germline. Not counted in ClinVar's aggregate classification.

Eurofins Ntd Llc (ga)
Classification: Pathogenic. Last evaluated: 2016-08-18. Review status: criteria provided, single submitter. Criteria: EGL Classification Definitions 2015. Collection method: clinical testing. Allele origin: germline. Observed: 1 variant allele, 1 heterozygote. Not counted in ClinVar's aggregate classification.

Literature cited by the submitters: PubMed 18996010 (cited by 4 submitters); PubMed 39472908 (cited by Natera, Inc. and Labcorp Genetics (formerly Invitae), Labcorp); PubMed 19781108 (cited by Women's Health and Genetics/Laboratory Corporation of America, LabCorp).